The following is an entry in ClinVar:

ClinVar aggregate classification (germline): Conflicting classifications of pathogenicity. Review status: criteria provided, conflicting classifications (1 of 4 stars). 4 submissions from 4 submitters: Uncertain significance (3); Likely benign (1). Last evaluated 2024-05-01.

Conditions:
Microcephaly, seizures, and developmental delay. Identifiers: Orphanet 1934, MedGen C3150667, MONDO:0013254, OMIM 613402.
Ataxia - oculomotor apraxia type 4. Identifiers: Orphanet 459033, MedGen C4225397, MONDO:0014557, OMIM 616267.
Charcot-Marie-Tooth disease type 2B2 (CMT2B2). Also called: CHARCOT-MARIE-TOOTH DISEASE, AXONAL, TYPE 2B2; CHARCOT-MARIE-TOOTH DISEASE, NEURONAL, TYPE 2B2; CHARCOT-MARIE-TOOTH DISEASE, AXONAL, AUTOSOMAL RECESSIVE, TYPE 2B2; Charcot-Marie-Tooth Neuropathy Type 2B2. Identifiers: Orphanet 101101, MedGen C1854150, MONDO:0011570, OMIM 605589.
Inborn genetic diseases. Identifiers: MedGen C0950123, MeSH D030342.
Developmental and epileptic encephalopathy, 12 (DEE12). Identifiers: MedGen C3150988, MONDO:0013389, OMIM 613722.

Allele frequency attached by ClinVar (database versions not stated): gnomAD 0.00001 and 0.00006; ExAC 0.00005; TOPMed 0.00009.
gnomAD v4.1: 26 of 1,554,584 alleles (0.0017%); highest among the groups gnomAD compares: East Asian, 0.0073%; no homozygotes.

Submissions (4):

Fulgent Genetics
Classification: Uncertain significance for Charcot-Marie-Tooth disease type 2B2; Microcephaly, seizures, and developmental delay; Ataxia - oculomotor apraxia type 4. Last evaluated: 2024-05-01. Review status: criteria provided, single submitter. Criteria: ACMG Guidelines, 2015. Collection method: clinical testing. Allele origin: germline.

Labcorp Genetics (formerly Invitae), Labcorp
Classification: Uncertain significance for Developmental and epileptic encephalopathy, 12. Last evaluated: 2022-08-20. Review status: criteria provided, single submitter. Criteria: Invitae Variant Classification Sherloc (09022015). Collection method: clinical testing. Allele origin: germline.
Comment: This sequence change replaces glutamic acid, which is acidic and polar, with glutamine, which is neutral and polar, at codon 337 of the PNKP protein (p.Glu337Gln). This variant is present in population databases (rs780121125, gnomAD 0.008%). This missense change has been observed in individual(s) with juvenile myoclonic epilepsy (PMID: 29924869). ClinVar contains an entry for this variant (Variation ID: 391407). Algorithms developed to predict the effect of missense changes on protein structure and function output the following: SIFT: "Tolerated"; PolyPhen-2: "Benign"; Align-GVGD: "Class C0". The glutamine amino acid residue is found in multiple mammalian species, which suggests that this missense change does not adversely affect protein function. In summary, the available evidence is currently insufficient to determine the role of this variant in disease. Therefore, it has been classified as a Variant of Uncertain Significance.

Ambry Genetics
Classification: Uncertain significance for Inborn genetic diseases. Last evaluated: 2020-01-08. Review status: criteria provided, single submitter. Criteria: Ambry Variant Classification Scheme 2023. Collection method: clinical testing. Allele origin: germline.
Comment: The p.E337Q variant (also known as c.1009G>C), located in coding exon 10 of the PNKP gene, results from a G to C substitution at nucleotide position 1009. The glutamic acid at codon 337 is replaced by glutamine, an amino acid with highly similar properties. This alteration has been reported in a subject with juvenile myoclonic epilepsy (Lee CG et al. PLoS ONE, 2018 Jun;13:e0199321). This amino acid position is not well conserved in available vertebrate species, and glutamine is the reference amino acid in other vertebrate species. In addition, this alteration is predicted to be tolerated by in silico analysis. Since supporting evidence is limited at this time, the clinical significance of this alteration remains unclear.

GeneDx
Classification: Likely benign. Last evaluated: 2019-04-03. Review status: criteria provided, single submitter. Criteria: GeneDx Variant Classification Process June 2021. Collection method: clinical testing. Allele origin: germline. Affected: yes.

Literature cited by the submitters: PubMed 29924869 (cited by Labcorp Genetics (formerly Invitae), Labcorp and Ambry Genetics).

NM_007254.4(PNKP):c.1009G>C (p.Glu337Gln)

Gene: PNKP (polynucleotide kinase 3'-phosphatase; minus strand). Cytogenetic location: 19q13.33.
Variant type: single nucleotide variant.
Coding change: c.1009G>C on transcript NM_007254.4 (MANE Select); coding-DNA position 1009, G replaced by C.
Protein change: p.Glu337Gln; replaces glutamic acid 337 with glutamine.
Molecular consequence: missense variant.
Genome position (GRCh38, 1-based): chr19:49,862,391, C>G on the plus strand (G>C on the coding strand, the complement: PNKP is on the minus strand). VCF-style: chr19-49862391-C-G. GRCh37 (hg19) VCF-style: chr19-50365648-C-G.
Other names: short protein forms E337Q.
Identifiers: ClinVar variation 391407 (VCV000391407.11), dbSNP rs780121125, ClinGen allele CA9586663.